The following is an entry in ClinVar:

ClinVar aggregate classification (germline): Uncertain significance (1 of 4 stars; one submission).

Conditions:
Pyruvate carboxylase deficiency. Also called: PC DEFICIENCY; ATAXIA WITH LACTIC ACIDOSIS II; LEIGH NECROTIZING ENCEPHALOPATHY DUE TO PYRUVATE CARBOXYLASE DEFICIENCY; LEIGH SYNDROME DUE TO PYRUVATE CARBOXYLASE DEFICIENCY; Pyruvate Carboxylase Deficiency Disease. Identifiers: Orphanet 3008, MedGen C0034341, MONDO:0009949, OMIM 266150.

Submission:

Myriad Genetics, Inc.
Classification: Uncertain significance for Pyruvate carboxylase deficiency. Last evaluated: 2025-07-23. Review status: criteria provided, single submitter. Criteria: Myriad Autosomal Dominant, Autosomal Recessive and X-Linked Classification Criteria (2023). Collection method: clinical testing. Allele origin: unknown.
Comment: NM_000920.3(PC):c.643_645delGAG(E215del) is an in-frame deletion classified as a variant of uncertain significance in the context of pyruvate carboxylase deficiency. E215del has not been observed in cases with relevant disease. Relevant functional assessments of this variant are not available in the literature. E215del has not been observed in referenced population frequency databases. In summary, there is insufficient evidence to classify NM_000920.3(PC):c.643_645delGAG(E215del) as pathogenic or benign. Please note: this variant was assessed in the context of healthy population screening.

NM_001040716.2(PC):c.640GAG[1] (p.Glu215del)

Gene: PC (pyruvate carboxylase; minus strand). Cytogenetic location: 11q13.2.
Variant type: Microsatellite.
Coding change: c.640GAG[1] on transcript NM_001040716.2 (MANE Select); one copy of the 3-base unit GAG starting at c.640; the reference has two copies in a row; one copy, 3 bases deleted.
Protein change: p.Glu215del; deletes glutamic acid 215.
Molecular consequence: inframe deletion.
Genome position (GRCh38, 1-based): chr11:66,870,881-66,870,883, CTC deleted on the plus strand (GAG on the coding strand, the reverse complement: PC is on the minus strand); deleting any 3 consecutive bases within chr11:66,870,881-66,870,887 gives the same sequence; the position shown is the placement nearest the transcript's 3' end. VCF-style (leftmost placement, unchanged base first): chr11-66870880-TCTC-T. GRCh37 (hg19) VCF-style: chr11-66638351-TCTC-T.
Other names: c.640GAG[1], p.Glu215del (NM_000920.4, NM_001439352.1, NM_001439353.1 and 5 more transcripts); short protein forms E215del.
Identifiers: ClinVar variation 5004078 (VCV005004078.1).